The following is an entry in ClinVar:

ClinVar aggregate classification (germline): Likely pathogenic (1 of 4 stars; one submission).

Conditions:
Niemann-Pick disease, type C1. Also called: NEUROVISCERAL STORAGE DISEASE WITH VERTICAL SUPRANUCLEAR OPHTHALMOPLEGIA; NIEMANN-PICK DISEASE WITH CHOLESTEROL ESTERIFICATION BLOCK; NIEMANN-PICK DISEASE WITHOUT SPHINGOMYELINASE DEFICIENCY; NIEMANN-PICK DISEASE, CHRONIC NEURONOPATHIC FORM; NIEMANN-PICK DISEASE, VARIANT TYPE C1. Identifiers: Orphanet 646, MedGen C3179455, MONDO:0009757, OMIM 257220.

Submission:

Labcorp Genetics (formerly Invitae), Labcorp
Classification: Likely pathogenic for Niemann-Pick disease, type C1. Last evaluated: 2023-07-19. Review status: criteria provided, single submitter. Criteria: Invitae Variant Classification Sherloc (09022015). Collection method: clinical testing. Allele origin: germline.
Comment: This missense change has been observed in individual(s) with Niemann–Pick disease type C (PMID: 16126423). In summary, the currently available evidence indicates that the variant is pathogenic, but additional data are needed to prove that conclusively. Therefore, this variant has been classified as Likely Pathogenic. Advanced modeling of protein sequence and biophysical properties (such as structural, functional, and spatial information, amino acid conservation, physicochemical variation, residue mobility, and thermodynamic stability) performed at Invitae indicates that this missense variant is expected to disrupt NPC1 protein function. This variant is not present in population databases (gnomAD no frequency). This sequence change replaces alanine, which is neutral and non-polar, with valine, which is neutral and non-polar, at codon 1062 of the NPC1 protein (p.Ala1062Val).

Literature cited by the submitters: PubMed 16126423.

NM_000271.5(NPC1):c.3185C>T (p.Ala1062Val)

Gene: NPC1 (NPC intracellular cholesterol transporter 1; minus strand). Cytogenetic location: 18q11.2.
Variant type: single nucleotide variant.
Coding change: c.3185C>T on transcript NM_000271.5 (MANE Select); coding-DNA position 3185, C replaced by T.
Protein change: p.Ala1062Val; replaces alanine 1062 with valine.
Molecular consequence: missense variant.
Genome position (GRCh38, 1-based): chr18:23,536,733, G>A on the plus strand (C>T on the coding strand, the complement: NPC1 is on the minus strand). VCF-style: chr18-23536733-G-A. GRCh37 (hg19) VCF-style: chr18-21116697-G-A.
Other names: short protein forms A1062V.
Identifiers: ClinVar variation 2736699 (VCV002736699.3), dbSNP rs2511196908, ClinGen allele CA401791756.
Genomic context (GRCh38, chr18:23,536,733, plus strand): 5'-CTGTAAGGAAATACTCGGTAGGCACTGCCGTTAATGCCCATGGTTTCGGTGACATTACTG[G>A]CTATAAGTCGGGCTTTCTTCAGAGCGTCAATAAAGTCAGCAGAGGTCTGCAGCACGGTGT-3'
Protein context (NP_000262.2, residues 1052-1072): IDALKKARLI[Ala1062Val]SNVTETMGIN